The following is an entry in ClinVar:

ClinVar aggregate classification (germline): not provided. Review status: no classification provided (0 of 4 stars). 4 submissions from 1 submitter: not provided (4).

Conditions:
Preeclampsia. Identifiers: Orphanet 275555, MedGen C0032914, MONDO:0005081, HP:0100602.
Normal pregnancy. Identifiers: MedGen C0232989.
Small for gestational age. Also called: Low birth weight. Identifiers: MedGen C0235991, HP:0001518.
Gestational diabetes mellitus uncontrolled. Identifiers: MedGen C3532257.

Submissions (4):

Institute of Molecular and Cell Biology, University of Tartu
No classification provided. Condition: Normal pregnancy. Review status: no classification provided. Collection method: case-control. Allele origin: unknown. Affected: yes. Study: Kasak2014.
Comment: The study aimed to determine the contribution of copy number variants in the genetic etiology of normal and complicated pregnancies. The samples represented (i) maternal blood DNA drawn from healthy pregnant women during 1st or 2nd trimester and (ii) maternal and paternal blood DNA drawn at term pregnancy cases representing normal and complicated gestations (severe preeclampsia, PE; gestational diabetes, GD; small-for-gestational age newborn, SGA; large-for-gestational age newborn, LGA). We performed CNV calling based on genome-wide genotyping dataset (Illumina HumanOmniExpress-24-v1 BeadChip) by applying three algorithms, QuantiSNP, GADA (Genome Alteration Detection Algorithm) and CNstream in parallel. The acquired CNV calls were merged with HD-CNV (Hotspot Detector for Copy Number Variants) program and only the CNVs predicted by at least two programs, were considered in subsequent analysis.

Institute of Molecular and Cell Biology, University of Tartu
No classification provided. Condition: Small for gestational age. Review status: no classification provided. Collection method: case-control. Allele origin: unknown. Affected: yes. Study: Kasak2014.
Comment: the same text as in the submission from Institute of Molecular and Cell Biology, University of Tartu above.

Institute of Molecular and Cell Biology, University of Tartu
No classification provided. Condition: Preeclampsia. Review status: no classification provided. Collection method: case-control. Allele origin: unknown. Affected: yes. Study: Kasak2014.
Comment: the same text as in the submission from Institute of Molecular and Cell Biology, University of Tartu above.

Institute of Molecular and Cell Biology, University of Tartu
No classification provided. Condition: Gestational diabetes mellitus uncontrolled. Review status: no classification provided. Collection method: case-control. Allele origin: unknown. Affected: yes. Study: Kasak2014.
Comment: the same text as in the submission from Institute of Molecular and Cell Biology, University of Tartu above.

Literature cited by the submitters: PubMed 25666259.

Single allele

Variant type: Deletion.
Identifiers: ClinVar variation 157436 (VCV000157436.2).